The following is an entry in ClinVar:

NM_032520.5(GNPTG):c.745C>T (p.His249Tyr)

Gene: GNPTG (N-acetylglucosamine-1-phosphate transferase subunit gamma; plus strand). Cytogenetic location: 16p13.3.
Variant type: single nucleotide variant.
Coding change: c.745C>T on transcript NM_032520.5 (MANE Select); coding-DNA position 745, C replaced by T.
Protein change: p.His249Tyr; replaces histidine 249 with tyrosine.
Molecular consequence: missense variant.
Genome position (GRCh38, 1-based): chr16:1,362,828, C>T. VCF-style: chr16-1362828-C-T. GRCh37 (hg19) VCF-style: chr16-1412829-C-T.
Other names: short protein forms H249Y.
Identifiers: ClinVar variation 2421029 (VCV002421029.1), dbSNP rs760871015, ClinGen allele CA7807934.

ClinVar aggregate classification (germline): Uncertain significance (1 of 4 stars; one submission).

Allele frequency attached by ClinVar (database versions not stated): ExAC 0.00001; gnomAD 0.00001; TOPMed 0.00001.
gnomAD v4.1: 13 of 1,613,832 alleles (0.00081%); highest among the groups gnomAD compares: Admixed American, 0.0017%; no homozygotes.

Submission:

Labcorp Genetics (formerly Invitae), Labcorp
Classification: Uncertain significance. Last evaluated: 2022-01-26. Review status: criteria provided, single submitter. Criteria: Invitae Variant Classification Sherloc (09022015). Collection method: clinical testing. Allele origin: germline.
Comment: This sequence change replaces histidine, which is basic and polar, with tyrosine, which is neutral and polar, at codon 249 of the GNPTG protein (p.His249Tyr). This variant is present in population databases (rs760871015, gnomAD 0.0009%). This variant has not been reported in the literature in individuals affected with GNPTG-related conditions. Algorithms developed to predict the effect of missense changes on protein structure and function output the following: SIFT: "Tolerated"; PolyPhen-2: "Benign"; Align-GVGD: "Class C0". The tyrosine amino acid residue is found in multiple mammalian species, which suggests that this missense change does not adversely affect protein function. In summary, the available evidence is currently insufficient to determine the role of this variant in disease. Therefore, it has been classified as a Variant of Uncertain Significance.